The following is an entry in ClinVar:

ClinVar aggregate classification (germline): Pathogenic (1 of 4 stars; one submission).

Conditions:
Duchenne muscular dystrophy (DMD). Also called: Duchenne Muscular Dystrophy (DMD); MUSCULAR DYSTROPHY, PSEUDOHYPERTROPHIC PROGRESSIVE, DUCHENNE TYPE. Identifiers: Orphanet 98896, MedGen C0013264, MONDO:0010679, OMIM 310200.

Submission:

Labcorp Genetics (formerly Invitae), Labcorp
Classification: Pathogenic for Duchenne muscular dystrophy. Last evaluated: 2019-11-18. Review status: criteria provided, single submitter. Criteria: Invitae Variant Classification Sherloc (09022015). Collection method: clinical testing. Allele origin: germline.
Comment: This variant is an in-frame deletion of the genomic region encompassing exons 43-44 of the DMD gene. It preserves the integrity of the reading frame. Similar deletions of exons 43-44 have been observed in several individuals affected with Duchenne or Becker muscular dystrophy (PMID: 17259292, 1864612). For these reasons, this variant has been classified as Pathogenic.

Literature cited by the submitters: PubMed 1864612; PubMed 17259292.

NC_000023.11:g.(?_32216906)_(32287711_?)del

Gene: DMD (dystrophin; minus strand). Cytogenetic location: Xp21.1.
Variant type: Deletion.
Identifiers: ClinVar variation 832941 (VCV000832941.1).